The following is an entry in ClinVar:

ClinVar aggregate classification (germline): Likely benign. Review status: criteria provided, multiple submitters, no conflicts (2 of 4 stars). 2 submissions from 2 submitters: Likely benign (2). Last evaluated 2024-03-19.

Conditions:
Vici syndrome (VICIS). Identifiers: Orphanet 1493, MedGen C1855772, MONDO:0009452, OMIM 242840.

Allele frequency attached by ClinVar (database versions not stated): gnomAD exomes below 0.00001; gnomAD 0.00001; ExAC 0.00002.

Submissions (2):

Labcorp Genetics (formerly Invitae), Labcorp
Classification: Likely benign for Vici syndrome. Last evaluated: 2024-03-19. Review status: criteria provided, single submitter. Criteria: Invitae Variant Classification Sherloc (09022015). Collection method: clinical testing. Allele origin: germline.

CeGaT Center for Human Genetics Tuebingen
Classification: Likely benign. Last evaluated: 2024-02-01. Review status: criteria provided, single submitter. Criteria: CeGaT Center For Human Genetics Tuebingen Variant Classification Criteria Version 2. Collection method: clinical testing. Allele origin: germline. Affected: yes. Observed: 1 variant allele.
Comment: EPG5: BP4, BP7

NM_020964.3(EPG5):c.1152T>C (p.Tyr384=)

Gene: EPG5 (ectopic P-granules 5 autophagy tethering factor; minus strand). Cytogenetic location: 18q21.1.
Variant type: single nucleotide variant.
Coding change: c.1152T>C on transcript NM_020964.3 (MANE Select); coding-DNA position 1152, T replaced by C.
Protein change: p.Tyr384=; no amino-acid change (tyrosine 384 retained).
Molecular consequence: synonymous variant.
Genome position (GRCh38, 1-based): chr18:45,952,500, A>G on the plus strand (T>C on the coding strand, the complement: EPG5 is on the minus strand). VCF-style: chr18-45952500-A-G. GRCh37 (hg19) VCF-style: chr18-43532466-A-G.
Other names: c.1152T>C, p.Tyr384= (NM_001410858.1, NM_001410859.1).
Identifiers: ClinVar variation 2999202 (VCV002999202.25), dbSNP rs775196944, ClinGen allele CA8949806.